The following is an entry in ClinVar:

NM_000444.6(PHEX):c.1961_1963delinsCT (p.Phe654fs)

Genes: PHEX (phosphate regulating endopeptidase homolog X-linked; plus strand), PTCHD1-AS (PTCHD1 antisense RNA (head to head); minus strand). Cytogenetic location: Xp22.11.
Variant type: Indel.
Coding change: c.1961_1963delinsCT on transcript NM_000444.6 (MANE Select); coding-DNA positions 1961 to 1963, TTA replaced by CT.
Protein change: p.Phe654fs; shifts the reading frame from phenylalanine 654.
Molecular consequence: frameshift variant.
Genome position (GRCh38, 1-based): chrX:22,226,504-22,226,506, TTA replaced by CT. VCF-style: chrX-22226504-TTA-CT. GRCh37 (hg19) VCF-style: chrX-22244621-TTA-CT.
Other names: c.1961_1963delinsCT, p.Phe654fs (NM_001282754.2); short protein forms F654fs.
Identifiers: ClinVar variation 423453 (VCV000423453.2), dbSNP rs1064796436, ClinGen allele CA16621335.

ClinVar aggregate classification (germline): Pathogenic (1 of 4 stars; one submission).

Submission:

GeneDx
Classification: Pathogenic. Last evaluated: 2017-02-08. Review status: criteria provided, single submitter. Criteria: GeneDx Variant Classification (06012015). Collection method: clinical testing. Allele origin: germline. Affected: yes.
Comment: The c.1961_1963delTTAinsCT pathogenic variant in the PHEX gene causes a frameshift starting with codon Phenylalanine 654, changes this amino acid to a Serine residue and creates a premature Stop codon at position 8 of the new reading frame, denoted p.Phe654SerfsX8. This pathogenic variant is predicted to cause loss of normal protein function either through protein truncation or nonsense-mediated mRNA decay. Additionally, the variant is not observed in large population cohorts (Lek et al., 2016; Exome Variant Server). Although this pathogenic variant has not been previously reported to our knowledge, its presence is consistent with the diagnosis of X-linked hypophosphatemic rickets.